The following is an entry in ClinVar:

ClinVar aggregate classification (germline): Uncertain significance (1 of 4 stars; one submission).

gnomAD v4.1: 3 of 1,593,766 alleles (0.00019%); highest among the groups gnomAD compares: Middle Eastern, 0.017%; no homozygotes.

Submission:

Labcorp Genetics (formerly Invitae), Labcorp
Classification: Uncertain significance. Last evaluated: 2023-03-06. Review status: criteria provided, single submitter. Criteria: Invitae Variant Classification Sherloc (09022015). Collection method: clinical testing. Allele origin: germline.
Comment: In summary, the available evidence is currently insufficient to determine the role of this variant in disease. Therefore, it has been classified as a Variant of Uncertain Significance. Experimental studies and prediction algorithms are not available or were not evaluated, and the functional significance of this variant is currently unknown. This variant has not been reported in the literature in individuals affected with ZCCHC8-related conditions. The frequency data for this variant in the population databases is considered unreliable, as metrics indicate poor data quality at this position in the gnomAD database. This sequence change replaces lysine, which is basic and polar, with asparagine, which is neutral and polar, at codon 202 of the ZCCHC8 protein (p.Lys202Asn).

NM_017612.5(ZCCHC8):c.606G>C (p.Lys202Asn)

Gene: ZCCHC8 (zinc finger CCHC-type containing 8; minus strand). Cytogenetic location: 12q24.31.
Variant type: single nucleotide variant.
Coding change: c.606G>C on transcript NM_017612.5 (MANE Select); coding-DNA position 606, G replaced by C.
Protein change: p.Lys202Asn; replaces lysine 202 with asparagine.
Molecular consequence: missense variant. On other transcripts: intron variant (3).
Genome position (GRCh38, 1-based): chr12:122,483,344, C>G on the plus strand (G>C on the coding strand, the complement: ZCCHC8 is on the minus strand). VCF-style: chr12-122483344-C-G. GRCh37 (hg19) VCF-style: chr12-122967891-C-G.
Other names: c.309G>C, p.Lys103Asn (NM_001350936.2); c.-43-649G>C (NM_001350938.2, NM_001350937.2); c.502-1257G>C (NM_001350935.2); short protein forms K202N, K103N.
Identifiers: ClinVar variation 2807415 (VCV002807415.3), dbSNP rs371895382, ClinGen allele CA482208503.
Genomic context (GRCh38, chr12:122,483,344, plus strand): 5'-TGCCTTTACTTGTATTTCTTGCCCTTCTAGAGAAACAATGTGGCTGAAGACTTGATGGTA[C>G]CTTTAGTGAATTTTATTAAGGAATAGTTATCATGGTCTGCAAAATTTGGAAATTGTTTTA-3'
Protein context (NP_060082.2, residues 192-212): PQLSEGWEIP[Lys202Asn]YHQVFSHIVS